The following is an entry in ClinVar:

NM_001845.6(COL4A1):c.1220G>A (p.Ser407Asn)

Gene: COL4A1 (collagen type IV alpha 1 chain; minus strand). Cytogenetic location: 13q34.
Variant type: single nucleotide variant.
Coding change: c.1220G>A on transcript NM_001845.6 (MANE Select); coding-DNA position 1220, G replaced by A.
Protein change: p.Ser407Asn; replaces serine 407 with asparagine.
Molecular consequence: missense variant.
Genome position (GRCh38, 1-based): chr13:110,198,532, C>T on the plus strand (G>A on the coding strand, the complement: COL4A1 is on the minus strand). VCF-style: chr13-110198532-C-T. GRCh37 (hg19) VCF-style: chr13-110850879-C-T.
Other names: c.1220G>A, p.Ser407Asn (NM_001303110.2); short protein forms S407N.
Identifiers: ClinVar variation 2780632 (VCV002780632.3), dbSNP rs2501557586, ClinGen allele CA388724010.

ClinVar aggregate classification (germline): Uncertain significance (1 of 4 stars; one submission).

Submission:

Labcorp Genetics (formerly Invitae), Labcorp
Classification: Uncertain significance. Last evaluated: 2023-06-24. Review status: criteria provided, single submitter. Criteria: Invitae Variant Classification Sherloc (09022015). Collection method: clinical testing. Allele origin: germline.
Comment: This sequence change replaces serine, which is neutral and polar, with asparagine, which is neutral and polar, at codon 407 of the COL4A1 protein (p.Ser407Asn). This variant is not present in population databases (gnomAD no frequency). This variant has not been reported in the literature in individuals affected with COL4A1-related conditions. Advanced modeling of protein sequence and biophysical properties (such as structural, functional, and spatial information, amino acid conservation, physicochemical variation, residue mobility, and thermodynamic stability) performed at Invitae indicates that this missense variant is not expected to disrupt COL4A1 protein function. In summary, the available evidence is currently insufficient to determine the role of this variant in disease. Therefore, it has been classified as a Variant of Uncertain Significance.